The following is an entry in ClinVar:

ClinVar aggregate classification (germline): Uncertain significance (1 of 4 stars; one submission).

Submission:

GeneDx
Classification: Uncertain significance. Last evaluated: 2016-10-24. Review status: criteria provided, single submitter. Criteria: GeneDx Variant Classification (06012015). Collection method: clinical testing. Allele origin: germline. Affected: yes.
Comment: A variant of uncertain significance has been identified in the CACNA2D1 gene. The A926P variant has not been published as a pathogenic variant, nor has it been reported as a benign variant to our knowledge. The A926P variant was not observed in approximately 6500 individuals of European and African American ancestry in the NHLBI Exome Sequencing Project, indicating it is not a common benign variant in these populations. The A926P variant is a semi-conservative amino acid substitution, which may impact secondary protein structure as these residues differ in some properties, and this substitution occurs at a position that is conserved across species. In silico analysis predicts this variant is probably damaging to the protein structure/function. Nevertheless, this variant has not been identified in a significant number of affected individuals, and there are no functional studies or segregation data available to clarify the role of this variant in disease.

NM_000722.4(CACNA2D1):c.2776G>C (p.Ala926Pro)

Gene: CACNA2D1 (calcium voltage-gated channel auxiliary subunit alpha2delta 1; minus strand). Cytogenetic location: 7q21.11.
Variant type: single nucleotide variant.
Coding change: c.2776G>C on transcript NM_000722.4 (MANE Select); coding-DNA position 2776, G replaced by C.
Protein change: p.Ala926Pro; replaces alanine 926 with proline.
Molecular consequence: missense variant.
Genome position (GRCh38, 1-based): chr7:81,964,060, C>G on the plus strand (G>C on the coding strand, the complement: CACNA2D1 is on the minus strand). VCF-style: chr7-81964060-C-G. GRCh37 (hg19) VCF-style: chr7-81593376-C-G.
Other names: c.2776G>C (LRG_437t1); c.2812G>C, p.Ala938Pro (NM_001366867.1); short protein forms A926P, A938P.
Identifiers: ClinVar variation 422555 (VCV000422555.2), dbSNP rs768183773, ClinGen allele CA16618566.
Genomic context (GRCh38, chr7:81,964,060, plus strand): 5'-TTTTTATTTTACAACTTCTTTCTTTCATTACCAATAAAACTAAAATTTTGACTTACCAGG[C>G]AGCAGCAGTGGCCCACCAGCCAATTTGTAATATGTCTGCTACTGATGGCTATAAAATAAA-3'
Protein context (NP_000713.2, residues 916-936): LQIGWWATAA[Ala926Pro]WSILQQFLLS